The following is an entry in ClinVar:

ClinVar aggregate classification (germline): Uncertain significance (1 of 4 stars; one submission).

Conditions:
Inborn genetic diseases. Identifiers: MedGen C0950123, MeSH D030342.

Submission:

Ambry Genetics
Classification: Uncertain significance for Inborn genetic diseases. Last evaluated: 2025-01-31. Review status: criteria provided, single submitter. Criteria: Ambry Variant Classification Scheme 2023. Collection method: clinical testing. Allele origin: germline.
Comment: The p.D897N variant (also known as c.2689G>A), located in coding exon 14 of the FANCM gene, results from a G to A substitution at nucleotide position 2689. The aspartic acid at codon 897 is replaced by asparagine, an amino acid with highly similar properties. This amino acid position is conserved. In addition, this alteration is predicted to be tolerated by in silico analysis. Based on the available evidence, the clinical significance of this variant remains unclear.

NM_020937.4(FANCM):c.2689G>A (p.Asp897Asn)

Gene: FANCM (FA complementation group M; plus strand). Cytogenetic location: 14q21.2.
Variant type: single nucleotide variant.
Coding change: c.2689G>A on transcript NM_020937.4 (MANE Select); coding-DNA position 2689, G replaced by A.
Protein change: p.Asp897Asn; replaces aspartic acid 897 with asparagine.
Molecular consequence: missense variant.
Genome position (GRCh38, 1-based): chr14:45,175,443, G>A. VCF-style: chr14-45175443-G-A. GRCh37 (hg19) VCF-style: chr14-45644646-G-A.
Other names: c.2611G>A, p.Asp871Asn (NM_001308133.2); short protein forms D897N, D871N.
Identifiers: ClinVar variation 3848676 (VCV003848676.1).